The following is an entry in ClinVar:

ClinVar aggregate classification (germline): Uncertain significance (1 of 4 stars; one submission).

Submission:

Illumina Laboratory Services, Illumina
Classification: Uncertain significance. Last evaluated: 2022-10-14. Review status: criteria provided, single submitter. Criteria: ICSL CNVClassificationCriteria Aug2020. Collection method: clinical testing. Allele origin: unknown. Affected: yes.
Comment: The KIF4A c.517-5A>G variant occurs in a splice region and results in the substitution of an adenine at nucleotide position c.517-5 with a guanine. To our knowledge, this variant has not been reported in the peer-reviewed literature. This variant is not found in version 2.1.1 or 3.1.2 of the Genome Aggregation Database. The c.517-5A>G variant is predicted to result in a splice acceptor gain based on the SpliceAI splicing prediction algorithm (PMID: 30661751). Based on the available evidence, the c.517-5A>G variant is classified as a variant of uncertain significance for KIF4A-related intellectual developmental disorder.

Literature cited by the submitters: PubMed 30661751.

NM_012310.5(KIF4A):c.517-5A>G

Gene: KIF4A (kinesin family member 4A; plus strand). Cytogenetic location: Xq13.1.
Variant type: single nucleotide variant.
Coding change: c.517-5A>G on transcript NM_012310.5 (MANE Select); 5 bases into the intron before coding-DNA position 517, A replaced by G.
Molecular consequence: intron variant.
Genome position (GRCh38, 1-based): chrX:70,301,895, A>G. VCF-style: chrX-70301895-A-G. GRCh37 (hg19) VCF-style: chrX-69521745-A-G.
Identifiers: ClinVar variation 2429408 (VCV002429408.3), dbSNP rs2521027106, ClinGen allele CA2580101367.